The following is an entry in ClinVar:

ClinVar aggregate classification (germline): Uncertain significance (1 of 4 stars; one submission).

Submission:

GeneDx
Classification: Uncertain significance. Last evaluated: 2026-04-08. Review status: criteria provided, single submitter. Criteria: GeneDx Variant Classification Process June 2021. Collection method: clinical testing. Allele origin: germline.
Comment: Not observed at significant frequency in large population cohorts (gnomAD); In silico analysis suggests that this missense variant does not alter protein structure/function; Has not been previously published as pathogenic or benign to our knowledge

NM_001135651.3(EIF2AK2):c.655A>C (p.Ser219Arg)

Gene: EIF2AK2 (eukaryotic translation initiation factor 2 alpha kinase 2; minus strand). Cytogenetic location: 2p22.2.
Variant type: single nucleotide variant.
Coding change: c.655A>C on transcript NM_001135651.3 (MANE Select); coding-DNA position 655, A replaced by C.
Protein change: p.Ser219Arg; replaces serine 219 with arginine.
Molecular consequence: missense variant.
Genome position (GRCh38, 1-based): chr2:37,138,302, T>G on the plus strand (A>C on the coding strand, the complement: EIF2AK2 is on the minus strand). VCF-style: chr2-37138302-T-G. GRCh37 (hg19) VCF-style: chr2-37365445-T-G.
Other names: c.655A>C, p.Ser219Arg (NM_001135652.3, NM_002759.4); short protein forms S219R.
Identifiers: ClinVar variation 4536484 (VCV004536484.2).